The following is an entry in ClinVar:

ClinVar aggregate classification (germline): Pathogenic (1 of 4 stars; one submission).

Submission:

Labcorp Genetics (formerly Invitae), Labcorp
Classification: Pathogenic. Last evaluated: 2022-06-27. Review status: criteria provided, single submitter. Criteria: Invitae Variant Classification Sherloc (09022015). Collection method: clinical testing. Allele origin: germline.
Comment: This sequence change creates a premature translational stop signal (p.Arg1193Lysfs*19) in the POLE gene. It is expected to result in an absent or disrupted protein product. Loss-of-function variants in POLE are known to be pathogenic (PMID: 23230001, 25948378, 30503519). This variant is not present in population databases (gnomAD no frequency). This variant has not been reported in the literature in individuals affected with POLE-related conditions. For these reasons, this variant has been classified as Pathogenic.

Literature cited by the submitters: PubMed 23230001; PubMed 25948378; PubMed 30503519.

NM_006231.4(POLE):c.3577dup (p.Arg1193fs)

Gene: POLE (DNA polymerase epsilon, catalytic subunit; minus strand). Cytogenetic location: 12q24.33.
Variant type: Duplication.
Coding change: c.3577dup on transcript NM_006231.4 (MANE Select); coding-DNA position 3577, one base duplicated (A; older notation c.3577dupA).
Protein change: p.Arg1193fs; shifts the reading frame from arginine 1193.
Molecular consequence: frameshift variant.
Genome position (GRCh38, 1-based): chr12:132,657,141, T duplicated on the plus strand (A on the coding strand, the reverse complement: POLE is on the minus strand). VCF-style (leftmost placement, unchanged base first): chr12-132657140-C-CT. GRCh37 (hg19) VCF-style: chr12-133233726-C-CT.
Other names: short protein forms R1193fs.
Identifiers: ClinVar variation 2129892 (VCV002129892.4), dbSNP rs2541998068, ClinGen allele CA2580085979.